The following is an entry in ClinVar:

ClinVar aggregate classification (germline): Conflicting classifications of pathogenicity. Review status: criteria provided, conflicting classifications (1 of 4 stars). 5 submissions from 5 submitters: Uncertain significance (2); Likely benign (2). 1 of the submissions does not count toward it. Last evaluated 2026-02-20.

Conditions:
EP300-related disorder. Also called: EP300-related disorders; EP300-related condition.
Rubinstein-Taybi syndrome due to EP300 haploinsufficiency. Also called: RUBINSTEIN-TAYBI SYNDROME 2; EP300-Related Rubinstein-Taybi Syndrome. Identifiers: Orphanet 353284, Orphanet 783, MedGen C3150941, MONDO:0013364, OMIM 613684.

Allele frequency attached by ClinVar (database versions not stated): ExAC 0.00002.
gnomAD v4.1: 27 of 1,613,944 alleles (0.0017%); highest among the groups gnomAD compares: South Asian, 0.0022%; no homozygotes.

Submissions (5):

Dasa
Classification: Uncertain significance for Rubinstein-Taybi syndrome due to EP300 haploinsufficiency. Last evaluated: 2026-02-20. Review status: criteria provided, single submitter. Criteria: DASA Assertion Criteria. Collection method: clinical testing. Allele origin: germline.
Comment: NM_001429.4(EP300):c.5510G>A (p.Arg1837Gln) is a missense variant that results in the substitution of arginine with glutamine. This variant is rare in population databases. The currently available literature and clinical evidence are not sufficient to establish a definitive association between this variant and the reported condition. Therefore, this variant is classified as a variant of uncertain significance.

CeGaT Center for Human Genetics Tuebingen
Classification: Likely benign. Last evaluated: 2025-06-01. Review status: criteria provided, single submitter. Criteria: CeGaT Center For Human Genetics Tuebingen Variant Classification Criteria Version 2. Collection method: clinical testing. Allele origin: germline. Affected: yes. Observed: 1 variant allele.
Comment: EP300: BS2

Labcorp Genetics (formerly Invitae), Labcorp
Classification: Likely benign for Rubinstein-Taybi syndrome due to EP300 haploinsufficiency. Last evaluated: 2024-07-25. Review status: criteria provided, single submitter. Criteria: Invitae Variant Classification Sherloc (09022015). Collection method: clinical testing. Allele origin: germline.

Genetic Services Laboratory, University of Chicago
Classification: Uncertain significance. Last evaluated: 2021-06-25. Review status: criteria provided, single submitter. Criteria: ACMG Guidelines, 2015. Collection method: clinical testing. Allele origin: germline. Affected: no.
Comment: DNA sequence analysis of the EP300 gene demonstrated a sequence change, c.5510G>A, in exon 31 that results in an amino acid change, p.Arg1837Gln. This sequence change has been described in gnomAD with a frequency of 0.0065% in the south Asian sub-population (dbSNP rs755471385). The p.Arg1837Gln change affects a highly conserved amino acid residue located in a domain of the EP300 protein that is not known to be functional. The p.Arg1837Gln substitution appears to be damaging using several in-silico pathogenicity prediction tools (SIFT, PolyPhen2, Align GVGD). This sequence change does not appear to have been previously described in patients with EP300-related disorders. Due to the lack of sufficient evidences, the clinical significance of the p.Arg1837Gln change remains unknown at this time.

PreventionGenetics, part of Exact Sciences
Classification: Uncertain significance for EP300-related condition. Last evaluated: 2024-08-23. Review status: no assertion criteria provided. Collection method: clinical testing. Allele origin: germline. Not counted in ClinVar's aggregate classification.
Comment: The EP300 c.5510G>A variant is predicted to result in the amino acid substitution p.Arg1837Gln. To our knowledge, this variant has not been reported in the literature. This variant is reported in 0.0065% of alleles in individuals of South Asian descent in gnomAD. At this time, the clinical significance of this variant is uncertain due to the absence of conclusive functional and genetic evidence.

NM_001429.4(EP300):c.5510G>A (p.Arg1837Gln)

Gene: EP300 (EP300 lysine acetyltransferase; plus strand). Cytogenetic location: 22q13.2.
Variant type: single nucleotide variant.
Coding change: c.5510G>A on transcript NM_001429.4 (MANE Select); coding-DNA position 5510, G replaced by A.
Protein change: p.Arg1837Gln; replaces arginine 1837 with glutamine.
Molecular consequence: missense variant.
Genome position (GRCh38, 1-based): chr22:41,177,221, G>A. VCF-style: chr22-41177221-G-A. GRCh37 (hg19) VCF-style: chr22-41573225-G-A.
Other names: c.5432G>A, p.Arg1811Gln (NM_001362843.2); short protein forms R1811Q, R1837Q.
Identifiers: ClinVar variation 1338003 (VCV001338003.18), dbSNP rs755471385, ClinGen allele CA10253642.